The following is an entry in ClinVar:

ClinVar aggregate classification (germline): Uncertain significance (1 of 4 stars; one submission).

Allele frequency attached by ClinVar (database versions not stated): gnomAD exomes below 0.00001; gnomAD 0.00002; TOPMed 0.00003.
gnomAD v4.1: 5 of 1,613,984 alleles (0.00031%); highest among the groups gnomAD compares: African/African-American, 0.0067%; no homozygotes.

Submission:

Labcorp Genetics (formerly Invitae), Labcorp
Classification: Uncertain significance. Last evaluated: 2025-05-25. Review status: criteria provided, single submitter. Criteria: Invitae Variant Classification Sherloc (09022015). Collection method: clinical testing. Allele origin: germline.
Comment: This sequence change falls in intron 6 of the KIF20A gene. It does not directly change the encoded amino acid sequence of the KIF20A protein. It affects a nucleotide within the consensus splice site. This variant is present in population databases (no rsID available, gnomAD 0.01%). This variant has not been reported in the literature in individuals affected with KIF20A-related conditions. ClinVar contains an entry for this variant (Variation ID: 1479379). Variants that disrupt the consensus splice site are a relatively common cause of aberrant splicing (PMID: 17576681, 9536098). Algorithms developed to predict the effect of sequence changes on RNA splicing suggest that this variant is not likely to affect RNA splicing. In summary, the available evidence is currently insufficient to determine the role of this variant in disease. Therefore, it has been classified as a Variant of Uncertain Significance.

Literature cited by the submitters: PubMed 17576681; PubMed 9536098.

NM_005733.3(KIF20A):c.703-3C>A

Gene: KIF20A (kinesin family member 20A; plus strand). Cytogenetic location: 5q31.2.
Variant type: single nucleotide variant.
Coding change: c.703-3C>A on transcript NM_005733.3 (MANE Select); 3 bases into the intron before coding-DNA position 703, C replaced by A.
Molecular consequence: intron variant.
Genome position (GRCh38, 1-based): chr5:138,182,858, C>A. VCF-style: chr5-138182858-C-A. GRCh37 (hg19) VCF-style: chr5-137518547-C-A.
Identifiers: ClinVar variation 1479379 (VCV001479379.6), dbSNP rs1232774494, ClinGen allele CA563497072.